The following is an entry in ClinVar:

NM_000796.6(DRD3):c.404C>A (p.Pro135His)

Gene: DRD3 (dopamine receptor D3; minus strand). Cytogenetic location: 3q13.31.
Variant type: single nucleotide variant.
Coding change: c.404C>A on transcript NM_000796.6 (MANE Select); coding-DNA position 404, C replaced by A.
Protein change: p.Pro135His; replaces proline 135 with histidine.
Molecular consequence: missense variant.
Genome position (GRCh38, 1-based): chr3:114,147,537, G>T on the plus strand (C>A on the coding strand, the complement: DRD3 is on the minus strand). VCF-style: chr3-114147537-G-T. GRCh37 (hg19) VCF-style: chr3-113866384-G-T.
Other names: c.404C>A, p.Pro135His (NM_001282563.2, NM_001290809.1, NM_033663.6); short protein forms P135H.
Identifiers: ClinVar variation 1711864 (VCV001711864.1), dbSNP rs199862630, ClinGen allele CA2550606.

ClinVar aggregate classification (germline): Uncertain significance (1 of 4 stars; one submission).

Conditions:
Tremor, hereditary essential, 1 (ETM1). Also called: Familial essential tremor. Identifiers: MedGen C1860861, MONDO:0008590, OMIM 190300.

Allele frequency attached by ClinVar (database versions not stated): ExAC 0.00001; gnomAD 0.00001; gnomAD exomes 0.00001; TOPMed 0.00002.
gnomAD v4.1: 9 of 1,613,710 alleles (0.00056%); highest among the groups gnomAD compares: Admixed American, 0.012%; no homozygotes.

Submission:

Breda Genetics srl
Classification: Uncertain significance for Tremor, hereditary essential, 1. Last evaluated: 2022-07-01. Review status: criteria provided, single submitter. Criteria: ACMG Guidelines, 2015. Collection method: clinical testing. Allele origin: germline. Inheritance: Autosomal dominant inheritance. Affected: yes. Observed: 1 variant allele, 1 heterozygote.
Comment: Based on allele frequency, in-silico prediction scores and a certain overlap with the clinical phenotype, we interpreted this variant at least as of uncertain significance. The lack of one or more of the following features has discouraged further investigations: lack of a possible second hit in autosomal recessive conditions, presence of healthy controls in databases for autosomal dominant conditions, presence of unmatching cardinal clinical features in the patient or in the known gene-disease association, and/or variant type outside the known gene mutational spectrum